The following is an entry in ClinVar:

ClinVar aggregate classification (germline): Uncertain significance (1 of 4 stars; one submission).

Submission:

Labcorp Genetics (formerly Invitae), Labcorp
Classification: Uncertain significance. Last evaluated: 2022-03-15. Review status: criteria provided, single submitter. Criteria: Invitae Variant Classification Sherloc (09022015). Collection method: clinical testing. Allele origin: germline.
Comment: This sequence change creates a premature translational stop signal (p.Lys415Argfs*2) in the PDSS1 gene. While this is not anticipated to result in nonsense mediated decay, it is expected to disrupt the last 1 amino acid(s) of the PDSS1 protein. This variant is present in population databases (rs758471892, gnomAD 0.003%). This variant has not been reported in the literature in individuals affected with PDSS1-related conditions. Experimental studies and prediction algorithms are not available or were not evaluated, and the functional significance of this variant is currently unknown. In summary, the available evidence is currently insufficient to determine the role of this variant in disease. Therefore, it has been classified as a Variant of Uncertain Significance.

NM_014317.5(PDSS1):c.1240_1243dup (p.Lys415delinsArgTer)

Gene: PDSS1 (decaprenyl diphosphate synthase subunit 1; plus strand). Cytogenetic location: 10p12.1.
Variant type: Duplication.
Coding change: c.1240_1243dup on transcript NM_014317.5 (MANE Select); coding-DNA positions 1240 to 1243, 4 bases duplicated (GATA; older notation c.1240_1243dupGATA).
Protein change: p.Lys415delinsArgTer.
Molecular consequence: nonsense. On other transcripts: 3 prime UTR variant (1).
Genome position (GRCh38, 1-based): chr10:26,746,465-26,746,468, GATA duplicated; duplicating any 4 consecutive bases within chr10:26,746,464-26,746,468 gives the same sequence; the c. name uses the placement nearest the transcript's 3' end. VCF-style (leftmost placement, unchanged base first): chr10-26746463-G-GAGAT. GRCh37 (hg19) VCF-style: chr10-27035392-G-GAGAT.
Other names: c.*128_*131dup (NM_001321978.2); c.730_733dup, p.Lys245delinsArgTer (NM_001321979.2).
Identifiers: ClinVar variation 2140422 (VCV002140422.1), dbSNP rs758471892, ClinGen allele CA5447173.